The following is an entry in ClinVar:

NM_030973.4(MED25):c.368A>C (p.Gln123Pro)

Gene: MED25 (mediator complex subunit 25; plus strand). Cytogenetic location: 19q13.33.
Variant type: single nucleotide variant.
Coding change: c.368A>C on transcript NM_030973.4 (MANE Select); coding-DNA position 368, A replaced by C.
Protein change: p.Gln123Pro; replaces glutamine 123 with proline.
Molecular consequence: missense variant.
Genome position (GRCh38, 1-based): chr19:49,828,511, A>C. VCF-style: chr19-49828511-A-C. GRCh37 (hg19) VCF-style: chr19-50331768-A-C.
Other names: c.368A>C, p.Gln123Pro (NM_001378355.1); short protein forms Q123P.
Identifiers: ClinVar variation 574816 (VCV000574816.7), dbSNP rs750315392, ClinGen allele CA9584819.

ClinVar aggregate classification (germline): Uncertain significance. Review status: criteria provided, multiple submitters, no conflicts (2 of 4 stars). 2 submissions from 2 submitters: Uncertain significance (2). Last evaluated 2025-11-25.

Conditions:
Inborn genetic diseases. Identifiers: MedGen C0950123, MeSH D030342.
Charcot-Marie-Tooth disease type 2. Also called: Charcot-Marie-Tooth type 2. Identifiers: Orphanet 64746, MedGen C0270914, MONDO:0018993.

Allele frequency attached by ClinVar (database versions not stated): gnomAD exomes 0.00010 and 0.00001; ExAC 0.00002; TOPMed 0.00004; gnomAD 0.00002.
gnomAD v4.1: 145 of 1,613,986 alleles (0.009%); highest among the groups gnomAD compares: Non-Finnish European, 0.012%; no homozygotes.

Submissions (2):

Ambry Genetics
Classification: Uncertain significance for Inborn genetic diseases. Last evaluated: 2025-11-25. Review status: criteria provided, single submitter. Criteria: Ambry Variant Classification Scheme 2023. Collection method: clinical testing. Allele origin: germline.

Labcorp Genetics (formerly Invitae), Labcorp
Classification: Uncertain significance for Charcot-Marie-Tooth disease type 2. Last evaluated: 2024-01-08. Review status: criteria provided, single submitter. Criteria: Invitae Variant Classification Sherloc (09022015). Collection method: clinical testing. Allele origin: germline.
Comment: This sequence change replaces glutamine, which is neutral and polar, with proline, which is neutral and non-polar, at codon 123 of the MED25 protein (p.Gln123Pro). This variant is present in population databases (rs750315392, gnomAD 0.004%). This variant has not been reported in the literature in individuals affected with MED25-related conditions. ClinVar contains an entry for this variant (Variation ID: 574816). An algorithm developed to predict the effect of missense changes on protein structure and function (PolyPhen-2) suggests that this variant is likely to be disruptive. In summary, the available evidence is currently insufficient to determine the role of this variant in disease. Therefore, it has been classified as a Variant of Uncertain Significance.